The following is an entry in ClinVar:

NM_002299.4(LCT):c.4866+2T>G

Gene: LCT (lactase; minus strand). Cytogenetic location: 2q21.3.
Variant type: single nucleotide variant.
Coding change: c.4866+2T>G on transcript NM_002299.4 (MANE Select); the canonical splice donor site of the intron after coding-DNA position 4866, T replaced by G.
Molecular consequence: splice donor variant.
Genome position (GRCh38, 1-based): chr2:135,800,605, A>C on the plus strand (T>G on the coding strand, the complement: LCT is on the minus strand). VCF-style: chr2-135800605-A-C. GRCh37 (hg19) VCF-style: chr2-136558175-A-C.
Identifiers: ClinVar variation 2584498 (VCV002584498.4), dbSNP rs1276818330, ClinGen allele CA348592274.

ClinVar aggregate classification (germline): Likely pathogenic. Review status: criteria provided, multiple submitters, no conflicts (2 of 4 stars). 2 submissions from 2 submitters: Likely pathogenic (2). Last evaluated 2024-11-29.

Conditions:
Congenital lactase deficiency. Also called: ALACTASIA, CONGENITAL; DISACCHARIDE INTOLERANCE II. Identifiers: Orphanet 53690, MedGen C0268179, MONDO:0009115, OMIM 223000.

Allele frequency attached by ClinVar (database versions not stated): TOPMed below 0.00001; gnomAD 0.00001.
gnomAD v4.1: 1 of 1,610,722 alleles (0.000062%); highest among the groups gnomAD compares: Non-Finnish European, 0.000085%; no homozygotes.

Submissions (2):

Labcorp Genetics (formerly Invitae), Labcorp
Classification: Likely pathogenic. Last evaluated: 2024-11-29. Review status: criteria provided, single submitter. Criteria: Invitae Variant Classification Sherloc (09022015). Collection method: clinical testing. Allele origin: germline.
Comment: This sequence change affects a donor splice site in intron 12 of the LCT gene. It is expected to disrupt RNA splicing. Variants that disrupt the donor or acceptor splice site typically lead to a loss of protein function (PMID: 16199547), and loss-of-function variants in LCT are known to be pathogenic (PMID: 16400612, 25881162). This variant is not present in population databases (gnomAD no frequency). This variant has not been reported in the literature in individuals affected with LCT-related conditions. ClinVar contains an entry for this variant (Variation ID: 2584498). Algorithms developed to predict the effect of sequence changes on RNA splicing suggest that this variant may disrupt the consensus splice site. In summary, the currently available evidence indicates that the variant is pathogenic, but additional data are needed to prove that conclusively. Therefore, this variant has been classified as Likely Pathogenic.

Rady Children's Institute for Genomic Medicine, Rady Children's Hospital San Diego
Classification: Likely pathogenic for LACTASE DEFICIENCY, CONGENITAL. Review status: criteria provided, single submitter. Criteria: ACMG Guidelines, 2015. Collection method: clinical testing. Allele origin: germline. Affected: yes.
Comment: This variant affects the canonical splice donor site of intron 12 and is therefore predicted to interfere with splicing and result in loss of normal protein function through either protein truncation or nonsense-mediated mRNA decay (NMD). This variant has not been previously reported or functionally characterized in the literature to our knowledge. The c.4866+2T>G variant is absent from the gnomAD population database and thus is presumed to be rare. Based on the available evidence, the c.4866+2T>G variant is classified as Likely Pathogenic.

Literature cited by the submitters: PubMed 16199547 (cited by Labcorp Genetics (formerly Invitae), Labcorp); PubMed 16400612 (cited by Labcorp Genetics (formerly Invitae), Labcorp); PubMed 25881162 (cited by Labcorp Genetics (formerly Invitae), Labcorp).